The following is an entry in ClinVar:

NM_022455.5(NSD1):c.6319C>T (p.Arg2107Cys)

Gene: NSD1 (nuclear receptor binding SET domain protein 1; plus strand). Cytogenetic location: 5q35.3.
Variant type: single nucleotide variant.
Coding change: c.6319C>T on transcript NM_022455.5 (MANE Select); coding-DNA position 6319, C replaced by T.
Protein change: p.Arg2107Cys; replaces arginine 2107 with cysteine.
Molecular consequence: missense variant.
Genome position (GRCh38, 1-based): chr5:177,292,014, C>T. VCF-style: chr5-177292014-C-T. GRCh37 (hg19) VCF-style: chr5-176719015-C-T.
Other names: c.5446C>T, p.Arg1816Cys (NM_001365684.2, NM_001409308.1, NM_172349.5); c.6319C>T, p.Arg2107Cys (NM_001409301.1, NM_001409302.1, NM_001409303.1); c.5899C>T, p.Arg1967Cys (NM_001409304.1); c.5566C>T, p.Arg1856Cys (NM_001409305.1); c.5557C>T, p.Arg1853Cys (NM_001409306.1, NM_001409307.1); c.5197C>T, p.Arg1733Cys (NM_001409309.1); short protein forms R1733C, R1816C, R1853C, R1856C, R1967C, R2107C.
Identifiers: ClinVar variation 4795179 (VCV004795179.3).

ClinVar aggregate classification (germline): Uncertain significance. Review status: criteria provided, multiple submitters, no conflicts (2 of 4 stars). 2 submissions from 2 submitters: Uncertain significance (2). Last evaluated 2025-11-07.

Conditions:
Sotos syndrome (SOTOS). Also called: CHROMOSOME 5q35 DELETION SYNDROME; CEREBRAL GIGANTISM; Sotos' syndrome; Distinctive facial appearance, overgrowth in childhood, and learning disabilities or delayed development; SOTOS SYNDROME 1. Identifiers: Orphanet 821, MedGen C0175695, MONDO:0019349, OMIM 117550.

gnomAD v4.1: 1 of 1,614,034 alleles (0.000062%); highest among the groups gnomAD compares: Non-Finnish European, 0.000085%; no homozygotes.

Submissions (2):

Dasa
Classification: Uncertain significance. Last evaluated: 2025-11-07. Review status: criteria provided, single submitter. Criteria: DASA Assertion Criteria. Collection method: clinical testing. Allele origin: germline.
Comment: NM_022455.5(NSD1):c.6319C>T (p.Arg2107Cys) is a missense variant that results in the substitution of arginine with cysteine. This variant is rare in population databases. Computational prediction algorithms are consistent with a deleterious effect. The currently available literature and clinical evidence are not sufficient to establish a definitive association between this variant and the reported condition. Therefore, this variant is classified as a variant of uncertain significance.

Laboratorio de Biologia Molecular/Medicina Genomica - IFF/Fiocruz, Instituto Fernandes Figueira, Fundacao Oswaldo Cruz
Classification: Uncertain significance for Sotos syndrome. Last evaluated: 2025-09-02. Review status: criteria provided, single submitter. Criteria: ACMG Guidelines, 2015. Collection method: clinical testing. Allele origin: germline. Affected: yes. Observed: 1 variant allele.
Comment: Variant: c.6319C>T (p.Arg2107Cys) in exon 22 of the NSD1 gene. Protein effect: Missense substitution at a highly conserved residue within a well-established functional region where pathogenic variants are frequently reported. In silico tools: Predict a deleterious impact. Population database (gnomAD): Absent. ACMG/AMP criteria applied: PM1_Supporting, PM2_Supporting, PP3